The following is an entry in ClinVar:

NM_006506.5(RASA2):c.1060T>C (p.Cys354Arg)

Gene: RASA2 (RAS p21 protein activator 2; plus strand). Cytogenetic location: 3q23.
Variant type: single nucleotide variant.
Coding change: c.1060T>C on transcript NM_006506.5 (MANE Select); coding-DNA position 1060, T replaced by C.
Protein change: p.Cys354Arg; replaces cysteine 354 with arginine.
Molecular consequence: missense variant.
Genome position (GRCh38, 1-based): chr3:141,571,445, T>C. VCF-style: chr3-141571445-T-C. GRCh37 (hg19) VCF-style: chr3-141290287-T-C.
Other names: c.1060T>C, p.Cys354Arg (NM_001303245.3, NM_001303246.3); short protein forms C354R.
Identifiers: ClinVar variation 3151690 (VCV003151690.2), dbSNP rs767072491, ClinGen allele CA354775931.

ClinVar aggregate classification (germline): Uncertain significance (1 of 4 stars; one submission).

Allele frequency attached by ClinVar (database versions not stated): gnomAD 0.00001; TOPMed 0.00001.
gnomAD v4.1: 7 of 1,613,744 alleles (0.00043%); highest among the groups gnomAD compares: Non-Finnish European, 0.00059%; no homozygotes.

Submission:

Ambry Genetics
Classification: Uncertain significance. Last evaluated: 2024-10-15. Review status: criteria provided, single submitter. Criteria: Ambry Variant Classification Scheme 2023. Collection method: clinical testing. Allele origin: germline.
Comment: The p.C354R variant (also known as c.1060T>C), located in coding exon 11 of the RASA2 gene, results from a T to C substitution at nucleotide position 1060. The cysteine at codon 354 is replaced by arginine, an amino acid with highly dissimilar properties. This amino acid position is conserved. In addition, the in silico prediction for this alteration is inconclusive. Based on the available evidence, the clinical significance of this variant remains unclear.